The following is an entry in ClinVar:

NM_032803.6(SLC7A3):c.1798C>T (p.Arg600Cys)

Gene: SLC7A3 (solute carrier family 7 member 3; minus strand). Cytogenetic location: Xq13.1.
Variant type: single nucleotide variant.
Coding change: c.1798C>T on transcript NM_032803.6 (MANE Select); coding-DNA position 1798, C replaced by T.
Protein change: p.Arg600Cys; replaces arginine 600 with cysteine.
Molecular consequence: missense variant.
Genome position (GRCh38, 1-based): chrX:70,925,875, G>A on the plus strand (C>T on the coding strand, the complement: SLC7A3 is on the minus strand). VCF-style: chrX-70925875-G-A. GRCh37 (hg19) VCF-style: chrX-70145725-G-A.
Other names: c.1798C>T, p.Arg600Cys (NM_001048164.3); c.1798C>T (NM_001048164.2); short protein forms R600C.
Identifiers: ClinVar variation 2361766 (VCV002361766.5), dbSNP rs138954830, ClinGen allele CA10443014.

ClinVar aggregate classification (germline): Uncertain significance. Review status: criteria provided, single submitter (1 of 4 stars). 2 submissions from 2 submitters: Uncertain significance (1). 1 of the submissions does not count toward it. Last evaluated 2024-12-28.

Conditions:
SLC7A3-related disorder. Also called: SLC7A3-related condition.

Allele frequency attached by ClinVar (database versions not stated): ESP Exome Variant Server 0.00019; gnomAD 0.00027; ExAC 0.00030; TOPMed 0.00035; gnomAD exomes 0.00061.
gnomAD v4.1: 697 of 1,209,290 alleles (0.058%); highest among the groups gnomAD compares: Non-Finnish European, 0.073%; no homozygotes.

Submissions (2):

Ambry Genetics
Classification: Uncertain significance. Last evaluated: 2024-12-28. Review status: criteria provided, single submitter. Criteria: Ambry Variant Classification Scheme 2023. Collection method: clinical testing. Allele origin: germline.

PreventionGenetics, part of Exact Sciences
Classification: Likely benign for SLC7A3-related condition. Last evaluated: 2019-05-07. Review status: no assertion criteria provided. Collection method: clinical testing. Allele origin: germline. Not counted in ClinVar's aggregate classification.
Comment: This variant is classified as likely benign based on ACMG/AMP sequence variant interpretation guidelines (Richards et al. 2015 PMID: 25741868, with internal and published modifications).